The following is an entry in ClinVar:

ClinVar aggregate classification (germline): Uncertain significance (1 of 4 stars; one submission).

Submission:

Labcorp Genetics (formerly Invitae), Labcorp
Classification: Uncertain significance. Last evaluated: 2023-02-08. Review status: criteria provided, single submitter. Criteria: Invitae Variant Classification Sherloc (09022015). Collection method: clinical testing. Allele origin: germline.
Comment: This variant results in a copy number gain of the genomic region encompassing exon(s) 1 of the DDX58 gene. This region includes the initiator codon of the gene. This copy number gain extends beyond the assayed region for this gene and therefore may encompass additional genes. As the precise location of this event is unknown, it may be in tandem or it may be located elsewhere in the genome. This variant has not been reported in the literature in individuals affected with DDX58-related conditions. Experimental studies and prediction algorithms are not available or were not evaluated, and the functional significance of this variant is currently unknown. In summary, the available evidence is currently insufficient to determine the role of this variant in disease. Therefore, it has been classified as a Variant of Uncertain Significance.

NC_000009.11:g.(?_32526039)_(32526164_?)dup

Gene: RIGI (RNA sensor RIG-I; minus strand). Cytogenetic location: 9p21.1.
Variant type: Duplication.
Identifiers: ClinVar variation 2425937 (VCV002425937.4).